The following is an entry in ClinVar:

ClinVar aggregate classification (germline): Likely benign. Review status: criteria provided, multiple submitters, no conflicts (2 of 4 stars). 3 submissions from 3 submitters: Likely benign (3). Last evaluated 2025-08-13.

Allele frequency attached by ClinVar (database versions not stated): gnomAD exomes 0.00001 and 0.00003; gnomAD 0.00005; ExAC 0.00008; TOPMed 0.00010.
gnomAD v4.1: 16 of 1,181,571 alleles (0.0014%); highest among the groups gnomAD compares: African/African-American, 0.018%; no homozygotes.

Submissions (3):

Mayo Clinic Laboratories, Mayo Clinic
Classification: Likely benign. Last evaluated: 2025-08-13. Review status: criteria provided, single submitter. Criteria: ACMG Guidelines, 2015. Collection method: clinical testing. Allele origin: germline. Observed: 1 variant allele.
Comment: BP4, BP7

Labcorp Genetics (formerly Invitae), Labcorp
Classification: Likely benign. Last evaluated: 2023-05-16. Review status: criteria provided, single submitter. Criteria: Invitae Variant Classification Sherloc (09022015). Collection method: clinical testing. Allele origin: germline.

Genetic Services Laboratory, University of Chicago
Classification: Likely benign. Last evaluated: 2018-04-04. Review status: criteria provided, single submitter. Criteria: ACMG Guidelines, 2015. Collection method: clinical testing. Allele origin: germline. Affected: no.

NM_000032.5(ALAS2):c.675C>T (p.Gly225=)

Gene: ALAS2 (5'-aminolevulinate synthase 2; minus strand). Cytogenetic location: Xp11.21.
Variant type: single nucleotide variant.
Coding change: c.675C>T on transcript NM_000032.5 (MANE Select); coding-DNA position 675, C replaced by T.
Protein change: p.Gly225=; no amino-acid change (glycine 225 retained).
Molecular consequence: synonymous variant.
Genome position (GRCh38, 1-based): chrX:55,020,468, G>A on the plus strand (C>T on the coding strand, the complement: ALAS2 is on the minus strand). VCF-style: chrX-55020468-G-A. GRCh37 (hg19) VCF-style: chrX-55046901-G-A.
Other names: p.Gly225=; c.564C>T, p.Gly188= (NM_001037967.4); c.636C>T, p.Gly212= (NM_001037968.4).
Identifiers: ClinVar variation 1336620 (VCV001336620.8), dbSNP rs750452355, ClinGen allele CA10428392.